The following is an entry in ClinVar:

NM_006767.4(LZTR1):c.791+2T>C

Gene: LZTR1 (leucine zipper like post translational regulator 1; plus strand). Cytogenetic location: 22q11.21.
Variant type: single nucleotide variant.
Coding change: c.791+2T>C on transcript NM_006767.4 (MANE Select); the canonical splice donor site of the intron after coding-DNA position 791, T replaced by C.
Molecular consequence: splice donor variant.
Genome position (GRCh38, 1-based): chr22:20,990,527, T>C. VCF-style: chr22-20990527-T-C. GRCh37 (hg19) VCF-style: chr22-21344816-T-C.
Identifiers: ClinVar variation 3238342 (VCV003238342.3), dbSNP rs2518615947.

ClinVar aggregate classification (germline): Conflicting classifications of pathogenicity. Review status: criteria provided, conflicting classifications (1 of 4 stars). 2 submissions from 2 submitters: Likely pathogenic (1); Uncertain significance (1). Last evaluated 2025-04-16.

Conditions:
Cardiovascular phenotype. Identifiers: MedGen CN230736.
Hereditary cancer-predisposing syndrome. Also called: Tumor predisposition; Hereditary Cancer Syndrome; Hereditary neoplastic syndrome; Neoplastic Syndromes, Hereditary. Identifiers: Orphanet 140162, MedGen C0027672, MeSH D009386, MONDO:0015356.
LZTR1-related disorder. Also called: LZTR1-related disorders; LZTR1-related condition.

Submissions (2):

Ambry Genetics
Classification: Uncertain significance for Cardiovascular phenotype; Hereditary cancer-predisposing syndrome. Last evaluated: 2025-04-16. Review status: criteria provided, single submitter. Criteria: Ambry Variant Classification Scheme 2023. Collection method: clinical testing. Allele origin: germline.
Comment: The c.791+2T>C intronic variant results from a T to C substitution two nucleotides after coding exon 8 in the LZTR1 gene. This nucleotide position is highly conserved in available vertebrate species. In silico splice site analysis predicts that this alteration will weaken the native splice donor site. RNA studies have demonstrated that this alteration results in a transcript predicted to lead to a protein with an in-frame insertion of 31 amino acids; however, the exact functional impact of the inserted amino acids is unknown at this time (Ambry internal data). Based on the available evidence, the clinical significance of this variant remains unclear.

Blueprint Genetics
Classification: Likely pathogenic for LZTR1-related disorders. Last evaluated: 2020-12-29. Review status: criteria provided, single submitter. Criteria: ACMG Guidelines, 2015. Collection method: clinical testing. Allele origin: germline. Affected: yes. Observed: 1 variant allele.